The following is an entry in ClinVar:

ClinVar aggregate classification (germline): Uncertain significance (1 of 4 stars; one submission).

Conditions:
Fanconi anemia (FA). Also called: Fanconi's anemia. Identifiers: Orphanet 84, MedGen C0015625, MeSH D005199, MONDO:0019391.

Allele frequency attached by ClinVar (database versions not stated): gnomAD exomes below 0.00001; gnomAD 0.00001; TOPMed below 0.00001.
gnomAD v4.1: 2 of 1,614,054 alleles (0.00012%); highest among the groups gnomAD compares: Non-Finnish European, 0.00017%; no homozygotes.

Submission:

Labcorp Genetics (formerly Invitae), Labcorp
Classification: Uncertain significance for Fanconi anemia. Last evaluated: 2025-12-24. Review status: criteria provided, single submitter. Criteria: Invitae Variant Classification Sherloc (09022015). Collection method: clinical testing. Allele origin: germline.
Comment: This sequence change replaces threonine, which is neutral and polar, with isoleucine, which is neutral and non-polar, at codon 87 of the FANCM protein (p.Thr87Ile). This variant is present in population databases (no rsID available, gnomAD 0.0009%). This variant has not been reported in the literature in individuals affected with FANCM-related conditions. ClinVar contains an entry for this variant (Variation ID: 2723114). An algorithm developed to predict the effect of missense changes on protein structure and function (PolyPhen-2) suggests that this variant is likely to be tolerated. In summary, the available evidence is currently insufficient to determine the role of this variant in disease. Therefore, it has been classified as a Variant of Uncertain Significance.

NM_020937.4(FANCM):c.260C>T (p.Thr87Ile)

Gene: FANCM (FA complementation group M; plus strand). Cytogenetic location: 14q21.2.
Variant type: single nucleotide variant.
Coding change: c.260C>T on transcript NM_020937.4 (MANE Select); coding-DNA position 260, C replaced by T.
Protein change: p.Thr87Ile; replaces threonine 87 with isoleucine.
Molecular consequence: missense variant.
Genome position (GRCh38, 1-based): chr14:45,136,291, C>T. VCF-style: chr14-45136291-C-T. GRCh37 (hg19) VCF-style: chr14-45605494-C-T.
Other names: c.260C>T, p.Thr87Ile (NM_001308133.2, NM_001308134.2); short protein forms T87I.
Identifiers: ClinVar variation 2723114 (VCV002723114.3), dbSNP rs1394084351, ClinGen allele CA389587624.
Genomic context (GRCh38, chr14:45,136,291, plus strand): 5'-AGTTGTGTCTAGAGAATGGCGGGTTCTGCACCTCCGCGGGCGCCCTGTGGATTTACCCTA[C>T]CAATTGCCCAGTGCGGGACTACCAGCTGCACATTTCCCGGGCTGCTCTGTTTTGCAATAC-3'
Protein context (NP_065988.1, residues 77-97): TSAGALWIYP[Thr87Ile]NCPVRDYQLH